The following is an entry in ClinVar:

ClinVar aggregate classification (germline): Benign. Review status: criteria provided, multiple submitters, no conflicts (2 of 4 stars). 2 submissions from 2 submitters: Benign (2). Last evaluated 2020-04-27.

Allele frequency attached by ClinVar (database versions not stated): gnomAD 0.25971 and 0.26735; gnomAD exomes 0.27036 and 0.28571; TOPMed 0.27068; ESP Exome Variant Server 0.27249; ExAC 0.29470; 1000 Genomes Project 30x 0.31527; 1000 Genomes Project 0.31829.

Submissions (2):

GeneDx
Classification: Benign. Last evaluated: 2020-04-27. Review status: criteria provided, single submitter. Criteria: GeneDx Variant Classification Process June 2021. Collection method: clinical testing. Allele origin: germline. Affected: yes.
Comment: This variant is associated with the following publications: (PMID: 21833088)

Breakthrough Genomics
Classification: Benign. Review status: criteria provided, single submitter. Criteria: ACMG Guidelines, 2015. Collection method: not provided. Allele origin: germline. Inheritance: Unknown mechanism. Affected: yes.

NM_014419.4(DKKL1):c.326T>G (p.Met109Arg)

Gene: DKKL1 (dickkopf like acrosomal protein 1; plus strand). Cytogenetic location: 19q13.33.
Variant type: single nucleotide variant.
Coding change: c.326T>G on transcript NM_014419.4 (MANE Select); coding-DNA position 326, T replaced by G.
Protein change: p.Met109Arg; replaces methionine 109 with arginine.
Molecular consequence: missense variant. On other transcripts: intron variant (1).
Genome position (GRCh38, 1-based): chr19:49,365,794, T>G. VCF-style: chr19-49365794-T-G. GRCh37 (hg19) VCF-style: chr19-49869051-T-G.
Other names: c.101T>G, p.Met34Arg (NM_001197302.2); c.324+145T>G (NM_001197301.2); short protein forms M109R, M34R.
Identifiers: ClinVar variation 1291174 (VCV001291174.3), dbSNP rs2303759, ClinGen allele CA9571760.